The following is an entry in ClinVar:

NM_177438.3(DICER1):c.1999C>A (p.Leu667Ile)

Gene: DICER1 (dicer 1, ribonuclease III; minus strand). Cytogenetic location: 14q32.13.
Variant type: single nucleotide variant.
Coding change: c.1999C>A on transcript NM_177438.3 (MANE Select); coding-DNA position 1999, C replaced by A.
Protein change: p.Leu667Ile; replaces leucine 667 with isoleucine.
Molecular consequence: missense variant.
Genome position (GRCh38, 1-based): chr14:95,113,133, G>T on the plus strand (C>A on the coding strand, the complement: DICER1 is on the minus strand). VCF-style: chr14-95113133-G-T. GRCh37 (hg19) VCF-style: chr14-95579470-G-T.
Other names: c.1999C>A (NM_177438.2); c.1999C>A, p.Leu667Ile (NM_001195573.1, NM_001271282.3, NM_001291628.2 and 1 more transcripts); short protein forms L667I.
Identifiers: ClinVar variation 1007909 (VCV001007909.13), dbSNP rs1892127706, ClinGen allele CA390883236.
Genomic context (GRCh38, chr14:95,113,133, plus strand): 5'-TTTCTTCTTCTAAACTTACAACAATGGAGGCTCGAAGAGGTGAGTTAATTGGCAGATAAA[G>T]AGTTGAATAAAATGTACCATCAGGCAACTCTCGGGTTCTGCATTTAGGAGCTAGATGAGT-3'
Protein context (NP_803187.1, residues 657-677): ELPDGTFYST[Leu667Ile]YLPINSPLRA

ClinVar aggregate classification (germline): Uncertain significance. Review status: criteria provided, multiple submitters, no conflicts (2 of 4 stars). 2 submissions from 2 submitters: Uncertain significance (2). Last evaluated 2023-09-03.

Conditions:
DICER1-related tumor predisposition. Also called: DICER1 syndrome; DICER1-related pleuropulmonary blastoma cancer predisposition syndrome. Identifiers: Orphanet 284343, MedGen C3839822, MONDO:0100216.
Hereditary cancer-predisposing syndrome. Also called: Hereditary neoplastic syndrome; Neoplastic Syndromes, Hereditary; Tumor predisposition; Hereditary Cancer Syndrome. Identifiers: Orphanet 140162, MedGen C0027672, MeSH D009386, MONDO:0015356.

Submissions (2):

Labcorp Genetics (formerly Invitae), Labcorp
Classification: Uncertain significance for DICER1-related tumor predisposition. Last evaluated: 2023-09-03. Review status: criteria provided, single submitter. Criteria: Invitae Variant Classification Sherloc (09022015). Collection method: clinical testing. Allele origin: germline.
Comment: In summary, the available evidence is currently insufficient to determine the role of this variant in disease. Therefore, it has been classified as a Variant of Uncertain Significance. Advanced modeling of protein sequence and biophysical properties (such as structural, functional, and spatial information, amino acid conservation, physicochemical variation, residue mobility, and thermodynamic stability) performed at Invitae indicates that this missense variant is not expected to disrupt DICER1 protein function. ClinVar contains an entry for this variant (Variation ID: 1007909). This variant has not been reported in the literature in individuals affected with DICER1-related conditions. This variant is not present in population databases (gnomAD no frequency). This sequence change replaces leucine, which is neutral and non-polar, with isoleucine, which is neutral and non-polar, at codon 667 of the DICER1 protein (p.Leu667Ile).

Ambry Genetics
Classification: Uncertain significance for Hereditary cancer-predisposing syndrome. Last evaluated: 2023-05-26. Review status: criteria provided, single submitter. Criteria: Ambry Variant Classification Scheme 2023. Collection method: clinical testing. Allele origin: germline.
Comment: The p.L667I variant (also known as c.1999C>A), located in coding exon 11 of the DICER1 gene, results from a C to A substitution at nucleotide position 1999. The leucine at codon 667 is replaced by isoleucine, an amino acid with highly similar properties. This amino acid position is conserved. In addition, the in silico prediction for this alteration is inconclusive. Since supporting evidence is limited at this time, the clinical significance of this alteration remains unclear.